The following is an entry in ClinVar:

NM_001039141.3(TRIOBP):c.6749G>A (p.Arg2250His)

Gene: TRIOBP (TRIO and F-actin binding protein; plus strand). Cytogenetic location: 22q13.1.
Variant type: single nucleotide variant.
Coding change: c.6749G>A on transcript NM_001039141.3 (MANE Select); coding-DNA position 6749, G replaced by A.
Protein change: p.Arg2250His; replaces arginine 2250 with histidine.
Molecular consequence: missense variant.
Genome position (GRCh38, 1-based): chr22:37,769,275, G>A. VCF-style: chr22-37769275-G-A. GRCh37 (hg19) VCF-style: chr22-38165282-G-A.
Other names: c.1610G>A, p.Arg537His (NM_007032.5); short protein forms R2250H, R537H.
Identifiers: ClinVar variation 1707811 (VCV001707811.2), dbSNP rs745373939, ClinGen allele CA10225179.

ClinVar aggregate classification (germline): Uncertain significance (1 of 4 stars; one submission).

Allele frequency attached by ClinVar (database versions not stated): gnomAD 0.00001; gnomAD exomes 0.00001; TOPMed 0.00002.
gnomAD v4.1: 9 of 1,610,900 alleles (0.00056%); highest among the groups gnomAD compares: African/African-American, 0.0013%; no homozygotes.

Submission:

GeneDx
Classification: Uncertain significance. Last evaluated: 2022-04-01. Review status: criteria provided, single submitter. Criteria: GeneDx Variant Classification Process June 2021. Collection method: clinical testing. Allele origin: germline. Affected: yes.
Comment: In silico analysis supports that this missense variant does not alter protein structure/function; Has not been previously published as pathogenic or benign to our knowledge